The following is an entry in ClinVar:

ClinVar aggregate classification (germline): Uncertain significance (1 of 4 stars; one submission).

Conditions:
Cystic fibrosis (CF). Also called: MUCOVISCIDOSIS. Identifiers: Orphanet 586, MedGen C0010674, MONDO:0009061, OMIM 219700. Disease mechanism: loss of function.

Submission:

Ambry Genetics
Classification: Uncertain significance for Cystic fibrosis. Last evaluated: 2023-10-28. Review status: criteria provided, single submitter. Criteria: Ambry Variant Classification Scheme 2023. Collection method: clinical testing. Allele origin: germline.
Comment: The c.489+3A>C intronic variant results from an A to C substitution 3 nucleotides after coding exon 4 in the CFTR gene. This nucleotide position is highly conserved in available vertebrate species. In silico splice site analysis predicts that this alteration will weaken the native splice donor site. Since supporting evidence is limited at this time, the clinical significance of this alteration remains unclear.

NM_000492.4(CFTR):c.489+3A>C

Gene: CFTR (CF transmembrane conductance regulator; plus strand). Cytogenetic location: 7q31.2.
Variant type: single nucleotide variant.
Coding change: c.489+3A>C on transcript NM_000492.4 (MANE Select); 3 bases into the intron after coding-DNA position 489, A replaced by C.
Molecular consequence: intron variant.
Genome position (GRCh38, 1-based): chr7:117,531,117, A>C. VCF-style: chr7-117531117-A-C. GRCh37 (hg19) VCF-style: chr7-117171171-A-C.
Identifiers: ClinVar variation 3231923 (VCV003231923.1), dbSNP rs377729736, ClinGen allele CA2825001515.